The following is an entry in ClinVar:

NM_000355.4(TCN2):c.643C>A (p.Arg215=)

Gene: TCN2 (transcobalamin 2; plus strand). Cytogenetic location: 22q12.2.
Variant type: single nucleotide variant.
Coding change: c.643C>A on transcript NM_000355.4 (MANE Select); coding-DNA position 643, C replaced by A.
Protein change: p.Arg215=; no amino-acid change (arginine 215 retained).
Molecular consequence: synonymous variant.
Genome position (GRCh38, 1-based): chr22:30,615,363, C>A. VCF-style: chr22-30615363-C-A. GRCh37 (hg19) VCF-style: chr22-31011350-C-A.
Other names: c.562C>A, p.Arg188= (NM_001184726.2).
Identifiers: ClinVar variation 1013711 (VCV001013711.6), dbSNP rs35838082, ClinGen allele CA514456454.

ClinVar aggregate classification (germline): Uncertain significance (1 of 4 stars; one submission).

Conditions:
Transcobalamin II deficiency (TCN2D). Also called: Transcolabamin II deficiency; TC II DEFICIENCY; TCN2 DEFICIENCY. Identifiers: Orphanet 859, MedGen C0342701, MONDO:0010149, OMIM 275350.

gnomAD v4.1: 1 of 1,613,946 alleles (0.000062%); highest among the groups gnomAD compares: African/African-American, 0.0013%; no homozygotes.

Submission:

Labcorp Genetics (formerly Invitae), Labcorp
Classification: Uncertain significance for Transcobalamin II deficiency. Last evaluated: 2022-02-25. Review status: criteria provided, single submitter. Criteria: Invitae Variant Classification Sherloc (09022015). Collection method: clinical testing. Allele origin: germline.
Comment: This sequence change affects codon 215 of the TCN2 mRNA. It is a 'silent' change, meaning that it does not change the encoded amino acid sequence of the TCN2 protein. This variant is not present in population databases (gnomAD no frequency). This variant has not been reported in the literature in individuals affected with TCN2-related conditions. ClinVar contains an entry for this variant (Variation ID: 1013711). Algorithms developed to predict the effect of sequence changes on RNA splicing suggest that this variant may disrupt the consensus splice site. In summary, the available evidence is currently insufficient to determine the role of this variant in disease. Therefore, it has been classified as a Variant of Uncertain Significance.